The following is an entry in ClinVar:

ClinVar aggregate classification (germline): Uncertain significance (1 of 4 stars; one submission).

Conditions:
Inborn genetic diseases. Identifiers: MedGen C0950123, MeSH D030342.

Submission:

Ambry Genetics
Classification: Uncertain significance for Inborn genetic diseases. Last evaluated: 2025-09-11. Review status: criteria provided, single submitter. Criteria: Ambry Variant Classification Scheme 2023. Collection method: clinical testing. Allele origin: germline.
Comment: The p.M1469I variant (also known as c.4407G>A), located in coding exon 30 of the ANKRD26 gene, results from a G to A substitution at nucleotide position 4407. The methionine at codon 1469 is replaced by isoleucine, an amino acid with highly similar properties. This amino acid position is conserved. In addition, this alteration is predicted to be tolerated by in silico analysis. Based on the available evidence, the clinical significance of this variant remains unclear.

NM_014915.3(ANKRD26):c.4407G>A (p.Met1469Ile)

Gene: ANKRD26 (ankyrin repeat domain containing 26; minus strand). Cytogenetic location: 10p12.1.
Variant type: single nucleotide variant.
Coding change: c.4407G>A on transcript NM_014915.3 (MANE Select); coding-DNA position 4407, G replaced by A.
Protein change: p.Met1469Ile; replaces methionine 1469 with isoleucine.
Molecular consequence: missense variant.
Genome position (GRCh38, 1-based): chr10:27,017,601, C>T on the plus strand (G>A on the coding strand, the complement: ANKRD26 is on the minus strand). VCF-style: chr10-27017601-C-T. GRCh37 (hg19) VCF-style: chr10-27306530-C-T.
Other names: c.4404G>A, p.Met1468Ile (NM_001256053.2); short protein forms M1468I, M1469I.
Identifiers: ClinVar variation 4104794 (VCV004104794.1).